The following is an entry in ClinVar:

ClinVar aggregate classification (germline): Uncertain significance (1 of 4 stars; one submission).

Submission:

GeneDx
Classification: Uncertain significance. Last evaluated: 2013-01-17. Review status: criteria provided, single submitter. Criteria: GeneDx Variant Classification (06012015). Collection method: clinical testing. Allele origin: germline. Affected: yes.
Comment: p.Glu328Asp (GAG>GAC): c.984 G>C in exon 7 of the SCN1A gene (NM_001165963.1) The Glu328Asp missense change has not been published as a mutation, nor has it been reported as a benign polymorphism to our knowledge. The NHLBI ESP Exome Variant Project has not identified Glu328Asp in approximately 6,500 individuals of European or African American ethnicity, indicating that it is not a common benign variant in these populations. The amino acid substitution is conservative as both Glutamic acid and Aspartic acid are negatively charged, polar amino acid residues. Glu328Asp alters a position in the extracellular loop between the fifth and sixth segments of the first transmembrane domain in the SCN1A protein that is conserved through mammals but is not conserved in distance species through evolution. However, other missense mutations in this region have been reported in association with SCN1A-related disorders in an external mutation database and one in silico algorithm predicts it may be damaging to the structure/function of the protein. Therefore, based on the currently available information, it is unclear whether Glu328Asp is a disease-causing mutation or a rare benign variant. The variant is found in EPILEPSY panel(s).

NM_001165963.4(SCN1A):c.984G>C (p.Glu328Asp)

Gene: SCN1A (sodium voltage-gated channel alpha subunit 1; minus strand). Cytogenetic location: 2q24.3.
Variant type: single nucleotide variant.
Coding change: c.984G>C on transcript NM_001165963.4 (MANE Select); coding-DNA position 984, G replaced by C.
Protein change: p.Glu328Asp; replaces glutamic acid 328 with aspartic acid.
Molecular consequence: missense variant. On other transcripts: 5 prime UTR variant (1), non-coding transcript variant (1).
Genome position (GRCh38, 1-based): chr2:166,048,930, C>G on the plus strand (G>C on the coding strand, the complement: SCN1A is on the minus strand). VCF-style: chr2-166048930-C-G. GRCh37 (hg19) VCF-style: chr2-166905440-C-G.
Other names: p.E328D:GAG>GAC; c.984G>C, p.Glu328Asp (NM_001165964.3, NM_001202435.3, NM_001353948.2 and 10 more transcripts); c.-1442G>C (NM_001353961.2); short protein forms E328D.
Identifiers: ClinVar variation 206754 (VCV000206754.2), dbSNP rs796052968, ClinGen allele CA317181.